The following is an entry in ClinVar:

NM_001853.4(COL9A3):c.931G>A (p.Val311Met)

Gene: COL9A3 (collagen type IX alpha 3 chain; plus strand). Cytogenetic location: 20q13.33.
Variant type: single nucleotide variant.
Coding change: c.931G>A on transcript NM_001853.4 (MANE Select); coding-DNA position 931, G replaced by A.
Protein change: p.Val311Met; replaces valine 311 with methionine.
Molecular consequence: missense variant.
Genome position (GRCh38, 1-based): chr20:62,828,794, G>A. VCF-style: chr20-62828794-G-A. GRCh37 (hg19) VCF-style: chr20-61460146-G-A.
Other names: c.931G>A, p.Val311Met (LRG_1253t1); short protein forms V311M.
Identifiers: ClinVar variation 339282 (VCV000339282.16), dbSNP rs546308741, ClinGen allele CA9949613.
Genomic context (GRCh38, chr20:62,828,794, plus strand): 5'-CGACGGGCCTTACTCATCCCTTGTCCCCAGGGCATGCCGGGCAAGGACGGCCAGAATGGC[G>A]TGCCAGGACTCGATGGCCAGAAGGTTGGCATGGGGCTCAGGGTGTGACGGGAGGGAGGGG-3'
Protein context (NP_001844.3, residues 301-321): GMPGKDGQNG[Val311Met]PGLDGQKGEA

ClinVar aggregate classification (germline): Conflicting classifications of pathogenicity. Review status: criteria provided, conflicting classifications (1 of 4 stars). 3 submissions from 3 submitters: Uncertain significance (1); Benign (1); Likely benign (1). Last evaluated 2026-02-01.

Allele frequency attached by ClinVar (database versions not stated): TOPMed 0.00004; ExAC 0.00006; gnomAD exomes 0.00006; gnomAD 0.00008; 1000 Genomes Project 0.00020; 1000 Genomes Project 30x 0.00031.

Submissions (3):

Labcorp Genetics (formerly Invitae), Labcorp
Classification: Likely benign. Last evaluated: 2026-02-01. Review status: criteria provided, single submitter. Criteria: Invitae Variant Classification Sherloc (09022015). Collection method: clinical testing. Allele origin: germline.

Blueprint Genetics
Classification: Benign. Last evaluated: 2024-10-17. Review status: criteria provided, single submitter. Criteria: ACMG Guidelines, 2015. Collection method: clinical testing. Allele origin: germline.

GeneDx
Classification: Uncertain significance. Last evaluated: 2024-04-04. Review status: criteria provided, single submitter. Criteria: GeneDx Variant Classification Process June 2021. Collection method: clinical testing. Allele origin: germline. Affected: yes.
Comment: Has not been previously published as pathogenic or benign to our knowledge; In silico analysis supports that this missense variant does not alter protein structure/function; This variant is associated with the following publications: (PMID: 28408749)